The following is an entry in ClinVar:

NM_004974.4(KCNA2):c.282_283del (p.Gly96fs)

Gene: KCNA2 (potassium voltage-gated channel subfamily A member 2; minus strand). Cytogenetic location: 1p13.3.
Variant type: Deletion.
Coding change: c.282_283del on transcript NM_004974.4 (MANE Select); coding-DNA positions 282 to 283, 2 bases deleted (AG; older notation c.282_283delAG).
Protein change: p.Gly96fs; shifts the reading frame from glycine 96.
Molecular consequence: frameshift variant.
Genome position (GRCh38, 1-based): chr1:110,604,500-110,604,501, CT deleted on the plus strand (AG on the coding strand, the reverse complement: KCNA2 is on the minus strand). VCF-style (leftmost placement, unchanged base first): chr1-110604499-CCT-C. GRCh37 (hg19) VCF-style: chr1-111147121-CCT-C.
Other names: c.282_283del, p.Gly96fs (NM_001204269.2); c.282_283delAG (NM_004974.3); c.282_283del (NM_004974.3); short protein forms G96fs.
Identifiers: ClinVar variation 648490 (VCV000648490.10), dbSNP rs1570753862, ClinGen allele CA915941385.

ClinVar aggregate classification (germline): Uncertain significance. Review status: criteria provided, multiple submitters, no conflicts (2 of 4 stars). 2 submissions from 2 submitters: Uncertain significance (2). Last evaluated 2023-12-11.

Conditions:
Developmental and epileptic encephalopathy, 32 (DEE32). Also called: Epileptic encephalopathy, early infantile, 32. Identifiers: Orphanet 442835, MedGen C4225350, MONDO:0014607, OMIM 616366.

Allele frequency attached by ClinVar (database versions not stated): gnomAD exomes below 0.00001.

Submissions (2):

GeneDx
Classification: Uncertain significance. Last evaluated: 2023-12-11. Review status: criteria provided, single submitter. Criteria: GeneDx Variant Classification Process June 2021. Collection method: clinical testing. Allele origin: germline. Affected: yes.
Comment: Frameshift variant predicted to result in abnormal protein length as the last 404 amino acids are replaced with 14 different amino acids in a gene for which loss-of-function is not an established mechanism of disease; Not observed at significant frequency in large population cohorts (gnomAD); Has not been previously published as pathogenic or benign to our knowledge

Labcorp Genetics (formerly Invitae), Labcorp
Classification: Uncertain significance for Developmental and epileptic encephalopathy, 32. Last evaluated: 2021-12-21. Review status: criteria provided, single submitter. Criteria: Invitae Variant Classification Sherloc (09022015). Collection method: clinical testing. Allele origin: germline.
Comment: This sequence change creates a premature translational stop signal (p.Gly96Profs*15) in the KCNA2 gene. While this is not anticipated to result in nonsense mediated decay, it is expected to disrupt the last 404 amino acid(s) of the KCNA2 protein. This variant is not present in population databases (gnomAD no frequency). This variant has not been reported in the literature in individuals affected with KCNA2-related conditions. ClinVar contains an entry for this variant (Variation ID: 648490). Experimental studies and prediction algorithms are not available or were not evaluated, and the functional significance of this variant is currently unknown. In summary, the available evidence is currently insufficient to determine the role of this variant in disease. Therefore, it has been classified as a Variant of Uncertain Significance.